The following is an entry in ClinVar:

ClinVar aggregate classification (germline): Uncertain significance. Review status: criteria provided, multiple submitters, no conflicts (2 of 4 stars). 2 submissions from 2 submitters: Uncertain significance (2). Last evaluated 2025-12-03.

Conditions:
Inborn genetic diseases. Identifiers: MedGen C0950123, MeSH D030342.

Allele frequency attached by ClinVar (database versions not stated): gnomAD 0.00001; TOPMed 0.00001.
gnomAD v4.1: 6 of 1,499,170 alleles (0.0004%); highest among the groups gnomAD compares: Non-Finnish European, 0.00053%; no homozygotes.

Submissions (2):

Ambry Genetics
Classification: Uncertain significance for Inborn genetic diseases. Last evaluated: 2025-12-03. Review status: criteria provided, single submitter. Criteria: Ambry Variant Classification Scheme 2023. Collection method: clinical testing. Allele origin: germline.

Labcorp Genetics (formerly Invitae), Labcorp
Classification: Uncertain significance. Last evaluated: 2024-10-17. Review status: criteria provided, single submitter. Criteria: Invitae Variant Classification Sherloc (09022015). Collection method: clinical testing. Allele origin: germline.
Comment: This sequence change replaces proline, which is neutral and non-polar, with threonine, which is neutral and polar, at codon 431 of the CAMK2B protein (p.Pro431Thr). The frequency data for this variant in the population databases is considered unreliable, as metrics indicate poor data quality at this position in the gnomAD database. This variant has not been reported in the literature in individuals affected with CAMK2B-related conditions. ClinVar contains an entry for this variant (Variation ID: 2088195). An algorithm developed to predict the effect of missense changes on protein structure and function (PolyPhen-2) suggests that this variant is likely to be tolerated. In summary, the available evidence is currently insufficient to determine the role of this variant in disease. Therefore, it has been classified as a Variant of Uncertain Significance.

NM_001220.5(CAMK2B):c.1291C>A (p.Pro431Thr)

Gene: CAMK2B (calcium/calmodulin dependent protein kinase II beta; minus strand). Cytogenetic location: 7p13.
Variant type: single nucleotide variant.
Coding change: c.1291C>A on transcript NM_001220.5 (MANE Select); coding-DNA position 1291, C replaced by A.
Protein change: p.Pro431Thr; replaces proline 431 with threonine.
Molecular consequence: missense variant. On other transcripts: intron variant (8).
Genome position (GRCh38, 1-based): chr7:44,229,436, G>T on the plus strand (C>A on the coding strand, the complement: CAMK2B is on the minus strand). VCF-style: chr7-44229436-G-T. GRCh37 (hg19) VCF-style: chr7-44269035-G-T.
Other names: c.947-8535C>A (NM_172084.3); c.1150+1570C>A (NM_172080.3); c.1036+1570C>A (NM_172083.3); c.1108+1570C>A (NM_172081.3); c.1153+1570C>A (NM_172079.3, NM_172082.3); c.1225+1570C>A (NM_001293170.2, NM_172078.3); c.1291C>A (NM_001220.4); short protein forms P431T.
Identifiers: ClinVar variation 2088195 (VCV002088195.5), dbSNP rs1314702076, ClinGen allele CA367374424.